The following is an entry in ClinVar:

ClinVar aggregate classification (germline): Uncertain significance (1 of 4 stars; one submission).

Conditions:
Amyotrophic lateral sclerosis type 1 (ALS1). Also called: AMYOTROPHIC LATERAL SCLEROSIS 1, FAMILIAL. Identifiers: Orphanet 803, MedGen C1862939, MONDO:0007103, OMIM 105400.
Neuronopathy, distal hereditary motor, type 7B. Also called: HMN VIIB; LOWER MOTOR NEURON DISEASE, DYNACTIN TYPE; NEURONOPATHY, DISTAL HEREDITARY MOTOR, AUTOSOMAL DOMINANT 14; NEURONOPATHY, DISTAL HEREDITARY MOTOR, HARDING TYPE VIIB; NEUROPATHY, DISTAL HEREDITARY MOTOR, HARDING TYPE VIIB; NEUROPATHY, DISTAL HEREDITARY MOTOR, WITH VOCAL CORD PARALYSIS, HARDING TYPE VIIB. Identifiers: Orphanet 139589, MedGen C1843315, MONDO:0011879, OMIM 607641.
Perry syndrome. Also called: PARKINSONISM WITH ALVEOLAR HYPOVENTILATION AND MENTAL DEPRESSION. Identifiers: Orphanet 178509, MedGen C1868594, MONDO:0008201, OMIM 168605.

Submission:

Labcorp Genetics (formerly Invitae), Labcorp
Classification: Uncertain significance for Amyotrophic lateral sclerosis type 1; Neuronopathy, distal hereditary motor, type 7B; Perry syndrome. Last evaluated: 2026-02-03. Review status: criteria provided, single submitter. Criteria: Invitae Variant Classification Sherloc (09022015). Collection method: clinical testing. Allele origin: germline.
Comment: This sequence change replaces leucine, which is neutral and non-polar, with valine, which is neutral and non-polar, at codon 841 of the DCTN1 protein (p.Leu841Val). This variant is not present in population databases (gnomAD no frequency). This variant has not been reported in the literature in individuals affected with DCTN1-related conditions. ClinVar contains an entry for this variant (Variation ID: 3751580). Invitae Evidence Modeling of protein sequence and biophysical properties (such as structural, functional, and spatial information, amino acid conservation, physicochemical variation, residue mobility, and thermodynamic stability) indicates that this missense variant is not expected to disrupt DCTN1 protein function with a negative predictive value of 95%. In summary, the available evidence is currently insufficient to determine the role of this variant in disease. Therefore, it has been classified as a Variant of Uncertain Significance.

NM_004082.5(DCTN1):c.2521C>G (p.Leu841Val)

Gene: DCTN1 (dynactin subunit 1; minus strand). Cytogenetic location: 2p13.1.
Variant type: single nucleotide variant.
Coding change: c.2521C>G on transcript NM_004082.5 (MANE Select); coding-DNA position 2521, C replaced by G.
Protein change: p.Leu841Val; replaces leucine 841 with valine.
Molecular consequence: missense variant. On other transcripts: non-coding transcript variant (1).
Genome position (GRCh38, 1-based): chr2:74,366,566, G>C on the plus strand (C>G on the coding strand, the complement: DCTN1 is on the minus strand). VCF-style: chr2-74366566-G-C. GRCh37 (hg19) VCF-style: chr2-74593693-G-C.
Other names: c.2461C>G, p.Leu821Val (NM_001135040.3); c.2119C>G, p.Leu707Val (NM_001135041.3, NM_023019.4); c.2410C>G, p.Leu804Val (NM_001190836.2); c.2500C>G, p.Leu834Val (NM_001190837.2); c.2470C>G, p.Leu824Val (NM_001378991.1); c.2452C>G, p.Leu818Val (NM_001378992.1); short protein forms L707V, L804V, L818V, L821V, L824V, L834V, L841V.
Identifiers: ClinVar variation 3751580 (VCV003751580.2).
Genomic context (GRCh38, chr2:74,366,566, plus strand): 5'-GCCCCTCATTCTCTGCCAGTGGGGCAATGAGCTGGGCAGCAGCAGCTGCCACCTCCTGCA[G>C]CACAGCCACGACCCACGTCAAGTGTTTCCTGCAGTCTAGGAGCGTGTCAGATACCTGTGT-3'
Protein context (NP_004073.2, residues 831-851): RKHLTWVVAV[Leu841Val]QEVAAAAAQL